The following is an entry in ClinVar:

ClinVar aggregate classification (germline): Uncertain significance. Review status: criteria provided, multiple submitters, no conflicts (2 of 4 stars). 2 submissions from 2 submitters: Uncertain significance (2). Last evaluated 2024-06-30.
ClinVar aggregate classification (oncogenicity): Uncertain significance (1 of 4 stars; one submission).

Conditions:
Hereditary cancer-predisposing syndrome. Also called: Neoplastic Syndromes, Hereditary; Hereditary neoplastic syndrome; Hereditary Cancer Syndrome; Tumor predisposition. Identifiers: Orphanet 140162, MedGen C0027672, MeSH D009386, MONDO:0015356.
Neuroblastoma, susceptibility to, 3. Also called: ALK-Related Neuroblastic Tumor Susceptibility. Identifiers: Orphanet 635, MedGen C2751681, MONDO:0013083, OMIM 613014.
Neoplasm. Also called: Neoplasms; Neoplasm (disease); tumor. Identifiers: MedGen C0027651, MeSH D009369, MONDO:0005070, HP:0002664.

Submissions (3):

Center for Genomic Medicine, Rigshospitalet, Copenhagen University Hospital
Classification: Uncertain significance for Neoplasm. Last evaluated: 2025-03-04. Review status: criteria provided, single submitter. Criteria: ClinGen/CGC/VICC Guidelines for Oncogenicity, 2022. Collection method: clinical testing. Allele origin: somatic. Affected: yes.

Ambry Genetics
Classification: Uncertain significance for Hereditary cancer-predisposing syndrome. Last evaluated: 2024-06-30. Review status: criteria provided, single submitter. Criteria: Ambry Variant Classification Scheme 2023. Collection method: clinical testing. Allele origin: germline.
Comment: The p.A586D variant (also known as c.1757C>A), located in coding exon 9 of the ALK gene, results from a C to A substitution at nucleotide position 1757. The alanine at codon 586 is replaced by aspartic acid, an amino acid with dissimilar properties. This amino acid position is conserved. In addition, this alteration is predicted to be tolerated by in silico analysis. Based on the available evidence, the clinical significance of this variant remains unclear.

Labcorp Genetics (formerly Invitae), Labcorp
Classification: Uncertain significance for Neuroblastoma, susceptibility to, 3. Last evaluated: 2024-04-30. Review status: criteria provided, single submitter. Criteria: Invitae Variant Classification Sherloc (09022015). Collection method: clinical testing. Allele origin: germline.
Comment: This sequence change replaces alanine, which is neutral and non-polar, with aspartic acid, which is acidic and polar, at codon 586 of the ALK protein (p.Ala586Asp). This variant is not present in population databases (gnomAD no frequency). This variant has not been reported in the literature in individuals affected with ALK-related conditions. ClinVar contains an entry for this variant (Variation ID: 654286). An algorithm developed to predict the effect of missense changes on protein structure and function (PolyPhen-2) suggests that this variant is likely to be tolerated. In summary, the available evidence is currently insufficient to determine the role of this variant in disease. Therefore, it has been classified as a Variant of Uncertain Significance.

NM_004304.5(ALK):c.1757C>A (p.Ala586Asp)

Gene: ALK (ALK receptor tyrosine kinase; minus strand). Cytogenetic location: 2p23.2.
Variant type: single nucleotide variant.
Coding change: c.1757C>A on transcript NM_004304.5 (MANE Select); coding-DNA position 1757, C replaced by A.
Protein change: p.Ala586Asp; replaces alanine 586 with aspartic acid.
Molecular consequence: missense variant.
Genome position (GRCh38, 1-based): chr2:29,296,948, G>T on the plus strand (C>A on the coding strand, the complement: ALK is on the minus strand). VCF-style: chr2-29296948-G-T. GRCh37 (hg19) VCF-style: chr2-29519814-G-T.
Other names: short protein forms A586D.
Identifiers: ClinVar variation 654286 (VCV000654286.11), dbSNP rs1046338903, ClinGen allele CA346466117.